The following is an entry in ClinVar:

NM_005633.4(SOS1):c.1719T>A (p.Asp573Glu)

Gene: SOS1 (SOS Ras/Rac guanine nucleotide exchange factor 1; minus strand). Cytogenetic location: 2p22.1.
Variant type: single nucleotide variant.
Coding change: c.1719T>A on transcript NM_005633.4 (MANE Select); coding-DNA position 1719, T replaced by A.
Protein change: p.Asp573Glu; replaces aspartic acid 573 with glutamic acid.
Molecular consequence: missense variant.
Genome position (GRCh38, 1-based): chr2:39,022,709, A>T on the plus strand (T>A on the coding strand, the complement: SOS1 is on the minus strand). VCF-style: chr2-39022709-A-T. GRCh37 (hg19) VCF-style: chr2-39249850-A-T.
Other names: c.1698T>A, p.Asp566Glu (NM_001382394.1); c.1719T>A, p.Asp573Glu (NM_001382395.1); short protein forms D573E, D566E.
Identifiers: ClinVar variation 4774268 (VCV004774268.1).

ClinVar aggregate classification (germline): Uncertain significance (1 of 4 stars; one submission).

Conditions:
RASopathy. Also called: rasopathies; Noonan spectrum disorder. Identifiers: Orphanet 536391, MedGen C5555857, MONDO:0021060.

Submission:

Labcorp Genetics (formerly Invitae), Labcorp
Classification: Uncertain significance for RASopathy. Last evaluated: 2025-04-23. Review status: criteria provided, single submitter. Criteria: Invitae Variant Classification Sherloc (09022015). Collection method: clinical testing. Allele origin: germline.
Comment: This sequence change replaces aspartic acid, which is acidic and polar, with glutamic acid, which is acidic and polar, at codon 573 of the SOS1 protein (p.Asp573Glu). This variant is not present in population databases (gnomAD no frequency). This variant has not been reported in the literature in individuals affected with SOS1-related conditions. Invitae Evidence Modeling of protein sequence and biophysical properties (such as structural, functional, and spatial information, amino acid conservation, physicochemical variation, residue mobility, and thermodynamic stability) indicates that this missense variant is not expected to disrupt SOS1 protein function with a negative predictive value of 95%. In summary, the available evidence is currently insufficient to determine the role of this variant in disease. Therefore, it has been classified as a Variant of Uncertain Significance.